The following is an entry in ClinVar:

ClinVar aggregate classification (germline): Uncertain significance (0 of 4 stars; one submission).

Conditions:
PCSK1-related disorder. Also called: PCSK1-related condition.

Submission:

PreventionGenetics, part of Exact Sciences
Classification: Uncertain significance for PCSK1-related condition. Last evaluated: 2024-01-27. Review status: no assertion criteria provided. Collection method: clinical testing. Allele origin: germline.
Comment: The PCSK1 c.1783T>G variant is predicted to result in the amino acid substitution p.Ser595Ala. This variant was observed in a cohort of individuals with obesity, and in vitro functional studies showed this variant did not reduce protein function and could cause increased function (Supplemental Data Set 1, Shah et al. 2023. PubMed ID: 36864747). To our knowledge, this variant has not been reported in a large population database, indicating this variant is rare. At this time, the clinical significance of this variant is uncertain due to the absence of conclusive functional and genetic evidence.

NM_000439.5(PCSK1):c.1783T>G (p.Ser595Ala)

Genes: CAST (calpastatin; plus strand), PCSK1 (proprotein convertase subtilisin/kexin type 1; minus strand), LOC101929710 (uncharacterized LOC101929710; plus strand). Cytogenetic location: 5q15.
Variant type: single nucleotide variant.
Coding change: c.1783T>G on transcript NM_000439.5 (MANE Select); coding-DNA position 1783, T replaced by G.
Protein change: p.Ser595Ala; replaces serine 595 with alanine.
Molecular consequence: missense variant. On other transcripts: intron variant (11).
Genome position (GRCh38, 1-based): chr5:96,394,965, A>C on the plus strand (T>G on the coding strand, the complement: PCSK1 is on the minus strand). VCF-style: chr5-96394965-A-C. GRCh37 (hg19) VCF-style: chr5-95730669-A-C.
Other names: c.1642T>G, p.Ser548Ala (NM_001177875.2); c.-175+15313A>C (NM_001423254.1, NM_001423259.1, NM_001423255.1 and 6 more transcripts); c.-103+15313A>C (NM_001423253.1); c.-40+15313A>C (NM_001423258.1); short protein forms S548A, S595A.
Identifiers: ClinVar variation 3053341 (VCV003053341.2), dbSNP rs2112389745, ClinGen allele CA360478080.